The following is an entry in ClinVar:

ClinVar aggregate classification (germline): Benign. Review status: criteria provided, multiple submitters, no conflicts (2 of 4 stars). 2 submissions from 2 submitters: Benign (2). Last evaluated 2025-10-29.

Allele frequency attached by ClinVar (database versions not stated): ESP Exome Variant Server 0.00008; 1000 Genomes Project 30x 0.00515; 1000 Genomes Project 0.00519; TOPMed 0.00847; gnomAD 0.00973; ExAC 0.01036; gnomAD exomes 0.01315.
gnomAD v4.1: 20,548 of 1,613,784 alleles (1.3%); highest among the groups gnomAD compares: Non-Finnish European, 1.5%; 156 homozygotes.

Submissions (2):

Labcorp Genetics (formerly Invitae), Labcorp
Classification: Benign. Last evaluated: 2025-10-29. Review status: criteria provided, single submitter. Criteria: Invitae Variant Classification Sherloc (09022015). Collection method: clinical testing. Allele origin: germline.

CeGaT Center for Human Genetics Tuebingen
Classification: Benign. Last evaluated: 2024-07-01. Review status: criteria provided, single submitter. Criteria: CeGaT Center For Human Genetics Tuebingen Variant Classification Criteria Version 2. Collection method: clinical testing. Allele origin: germline. Affected: yes. Observed: 12 variant alleles.
Comment: ALPK1: BP4, BS1, BS2

NM_025144.4(ALPK1):c.3251G>A (p.Arg1084Gln)

Gene: ALPK1 (alpha kinase 1; plus strand). Cytogenetic location: 4q25.
Variant type: single nucleotide variant.
Coding change: c.3251G>A on transcript NM_025144.4 (MANE Select); coding-DNA position 3251, G replaced by A.
Protein change: p.Arg1084Gln; replaces arginine 1084 with glutamine.
Molecular consequence: missense variant.
Genome position (GRCh38, 1-based): chr4:112,438,546, G>A. VCF-style: chr4-112438546-G-A. GRCh37 (hg19) VCF-style: chr4-113359702-G-A.
Other names: c.3251G>A, p.Arg1084Gln (NM_001102406.2); c.3017G>A, p.Arg1006Gln (NM_001253884.2); short protein forms R1006Q, R1084Q.
Identifiers: ClinVar variation 2655030 (VCV002655030.26), dbSNP rs34677416, ClinGen allele CA3047124.